The following is an entry in ClinVar:

ClinVar aggregate classification (germline): Uncertain significance. Review status: criteria provided, multiple submitters, no conflicts (2 of 4 stars). 2 submissions from 2 submitters: Uncertain significance (2). Last evaluated 2025-08-04.

Conditions:
Cardiomyopathy (CMYO). Also called: Cardiomyopathies. Identifiers: Orphanet 167848, MedGen C0878544, MONDO:0004994, HP:0001638. Inheritance: Various modes of inheritance.

gnomAD v4.1: 5 of 1,613,908 alleles (0.00031%); highest among the groups gnomAD compares: Non-Finnish European, 0.00042%; no homozygotes.

Submissions (2):

Color Diagnostics, LLC DBA Color Health
Classification: Uncertain significance for Cardiomyopathy. Last evaluated: 2025-08-04. Review status: criteria provided, single submitter. Criteria: ACMG Guidelines, 2015. Collection method: clinical testing. Allele origin: germline.
Comment: This missense variant replaces glutamic acid with lysine at codon 828 of the MYBPC3 protein. Computational prediction suggests that this variant may not impact protein structure and function. To our knowledge, functional studies have not been reported for this variant. This variant has not been reported in individuals affected with MYBPC3-related disorders in the literature. This variant has not been identified in the general population by the Genome Aggregation Database (gnomAD). The available evidence is insufficient to determine the role of this variant in disease conclusively. Therefore, this variant is classified as a Variant of Uncertain Significance.

Blueprint Genetics
Classification: Uncertain significance. Last evaluated: 2018-08-30. Review status: criteria provided, single submitter. Criteria: ACMG Guidelines, 2015. Collection method: clinical testing. Allele origin: germline.

NM_000256.3(MYBPC3):c.2482G>A (p.Glu828Lys)

Gene: MYBPC3 (myosin binding protein C3; minus strand). Cytogenetic location: 11p11.2.
Variant type: single nucleotide variant.
Coding change: c.2482G>A on transcript NM_000256.3 (MANE Select); coding-DNA position 2482, G replaced by A.
Protein change: p.Glu828Lys; replaces glutamic acid 828 with lysine.
Molecular consequence: missense variant.
Genome position (GRCh38, 1-based): chr11:47,337,511, C>T on the plus strand (G>A on the coding strand, the complement: MYBPC3 is on the minus strand). VCF-style: chr11-47337511-C-T. GRCh37 (hg19) VCF-style: chr11-47359062-C-T.
Other names: short protein forms E828K.
Identifiers: ClinVar variation 4758969 (VCV004758969.2).
Genomic context (GRCh38, chr11:47,337,511, plus strand): 5'-CGTAGACGCGCATCTCGTACACCACGCCCTCGATCATGCGCCGCGCTTCATGACTCAGCT[C>T]CTGAATCAGGTCGAAGTTCAGCCGCATCCACCGGTAGCTCTTCTTCTTCTTGCGCTCCAG-3'
Protein context (NP_000247.2, residues 818-838): WMRLNFDLIQ[Glu828Lys]LSHEARRMIE